The following is an entry in ClinVar:

ClinVar aggregate classification (germline): Uncertain significance (1 of 4 stars; one submission).

Conditions:
Mucopolysaccharidosis, MPS-II (MPS2). Also called: Attenuated MPS (subtype; formerly known as mild MPS II); Severe MPS II; I2S deficiency; MPS 2; Hunter Syndrome; IDURONATE 2-SULFATASE DEFICIENCY. Identifiers: Orphanet 580, Orphanet 79388, MedGen C0026705, MONDO:0010674, OMIM 309900.

Submission:

Labcorp Genetics (formerly Invitae), Labcorp
Classification: Uncertain significance for Mucopolysaccharidosis, MPS-II. Last evaluated: 2023-08-09. Review status: criteria provided, single submitter. Criteria: Invitae Variant Classification Sherloc (09022015). Collection method: clinical testing. Allele origin: germline.
Comment: This sequence change replaces valine, which is neutral and non-polar, with alanine, which is neutral and non-polar, at codon 418 of the IDS protein (p.Val418Ala). This variant is not present in population databases (gnomAD no frequency). This variant has not been reported in the literature in individuals affected with IDS-related conditions. Advanced modeling of protein sequence and biophysical properties (such as structural, functional, and spatial information, amino acid conservation, physicochemical variation, residue mobility, and thermodynamic stability) has been performed at Invitae for this missense variant, however the output from this modeling did not meet the statistical confidence thresholds required to predict the impact of this variant on IDS protein function. In summary, the available evidence is currently insufficient to determine the role of this variant in disease. Therefore, it has been classified as a Variant of Uncertain Significance.

NM_000202.8(IDS):c.1253T>C (p.Val418Ala)

Gene: IDS (iduronate 2-sulfatase; minus strand). Cytogenetic location: Xq28.
Variant type: single nucleotide variant.
Coding change: c.1253T>C on transcript NM_000202.8 (MANE Select); coding-DNA position 1253, T replaced by C.
Protein change: p.Val418Ala; replaces valine 418 with alanine.
Molecular consequence: missense variant.
Genome position (GRCh38, 1-based): chrX:149,483,146, A>G on the plus strand (T>C on the coding strand, the complement: IDS is on the minus strand). VCF-style: chrX-149483146-A-G. GRCh37 (hg19) VCF-style: chrX-148564677-A-G.
Other names: c.983T>C, p.Val328Ala (NM_001166550.4); short protein forms V328A, V418A.
Identifiers: ClinVar variation 2819187 (VCV002819187.3), dbSNP rs2520757984, ClinGen allele CA414518486.
Genomic context (GRCh38, chrX:149,483,146, plus strand): 5'-AGGTTCTTGCCTTCTCTGCACAGCTCAACGTGAAATGAAGGAACGGGGCAGCGAGGTGGA[A>G]CCTGCAGTCCTGCAAGTCCAGCCAGCGTGGGAAAAAGAGACACAAGTTCCACAAGGTCCA-3'
Protein context (NP_000193.1, residues 408-428): PTLAGLAGLQ[Val418Ala]PPRCPVPSFH